The following is an entry in ClinVar:

NM_000059.4(BRCA2):c.8452G>A (p.Val2818Ile)

Gene: BRCA2 (BRCA2 DNA repair associated; plus strand). Cytogenetic location: 13q13.1.
Variant type: single nucleotide variant.
Coding change: c.8452G>A on transcript NM_000059.4 (MANE Select); coding-DNA position 8452, G replaced by A.
Protein change: p.Val2818Ile; replaces valine 2818 with isoleucine.
Molecular consequence: missense variant.
Genome position (GRCh38, 1-based): chr13:32,370,522, G>A. VCF-style: chr13-32370522-G-A. GRCh37 (hg19) VCF-style: chr13-32944659-G-A.
Other names: p.V2818I:GTT>ATT; short protein forms V2818I.
Identifiers: ClinVar variation 52592 (VCV000052592.44), dbSNP rs80359094, ClinGen allele CA025651.
Genomic context (GRCh38, chr13:32,370,522, plus strand): 5'-CCTAGACCTTTTCCTCTGCCCTTATCATCGCTTTTCAGTGATGGAGGAAATGTTGGTTGT[G>A]TTGATGTAATTATTCAAAGAGCATACCCTATACAGGTATGATGTATTCTTGAAACTTACC-3'
Protein context (NP_000050.3, residues 2808-2828): LFSDGGNVGC[Val2818Ile]DVIIQRAYPI

ClinVar aggregate classification (germline): Conflicting classifications of pathogenicity. Review status: criteria provided, conflicting classifications (1 of 4 stars). 16 submissions from 16 submitters: Uncertain significance (10); Benign (1); Likely benign (2). 3 of the submissions do not count toward it. Last evaluated 2026-05-21.

Conditions:
BRCA2-related cancer predisposition. Identifiers: MedGen CN377758, MONDO:0700269.
BRCA2-related disorder. Also called: BRCA2-related condition; BRCA2-related disorders. Identifiers: MedGen CN239275.
Hereditary cancer-predisposing syndrome. Also called: Hereditary Cancer Syndrome; Neoplastic Syndromes, Hereditary; Hereditary neoplastic syndrome; Tumor predisposition. Identifiers: Orphanet 140162, MedGen C0027672, MeSH D009386, MONDO:0015356.
Hereditary breast ovarian cancer syndrome. Also called: Hereditary breast and ovarian cancer syndrome; Breast and ovarian cancer; BRCA1- and BRCA2-Associated Hereditary Breast and Ovarian Cancer; Hereditary breast and/or ovarian cancer syndrome; Hereditary breast and ovarian cancer; Hereditary breast and ovarian cancer syndrome (HBOC). Identifiers: Orphanet 145, MedGen C0677776, MeSH D061325, MONDO:0003582. Disease mechanism: loss of function.
Breast-ovarian cancer, familial, susceptibility to, 2 (BROVCA2). Also called: BRCA2 Hereditary Breast and Ovarian Cancer. Identifiers: Orphanet 145, MedGen C2675520, MONDO:0012933, OMIM 612555. Disease mechanism: loss of function.
Familial cancer of breast. Also called: hereditary breast carcinoma; BREAST CANCER, FAMILIAL; Hereditary breast cancer. Identifiers: Orphanet 227535, MedGen C0346153, MONDO:0016419, OMIM 114480. Disease mechanism: loss of function.

Allele frequency attached by ClinVar (database versions not stated): gnomAD exomes below 0.00001; ExAC 0.00001; gnomAD 0.00001; TOPMed 0.00001.
gnomAD v4.1: 6 of 1,613,740 alleles (0.00037%); highest among the groups gnomAD compares: Middle Eastern, 0.033%; no homozygotes.

Submissions 1 to 10 of 16:

PreventionGenetics, part of Exact Sciences
Classification: Uncertain significance for BRCA2-related condition. Last evaluated: 2026-05-21. Review status: criteria provided, single submitter. Criteria: ACMG Guidelines, 2015. Collection method: clinical testing. Allele origin: germline.
Comment: The BRCA2 c.8452G>A variant is predicted to result in the amino acid substitution p.Val2818Ile. This variant, also described as 8680G>A in the literature, has been reported in individuals and families with breast and/or ovarian cancer (Capalbo et al. 2006. PubMed ID: 16760289; Table S5, Akcay et al. 2020. PubMed ID: 32658311; Table S7, Nacer et al. 2023. PubMed ID: 37060015; Giannini et al. 2006. PubMed ID: 16847550). However, in vitro experimental studies suggest that this variant may not significantly impact BRCA2 function (Supplemental Data, Sahu et al. 2025. PubMed ID: 39779848; Table S3, Huang et al. 2025. PubMed ID: 39779857). This variant is reported in 0.00088% of alleles in individuals of European (non-Finnish) descent in gnomAD and has conflicting interpretations in ClinVar ranging from uncertain to benign (Variation ID: 52592). At this time, the clinical significance of this variant is uncertain due to the absence of conclusive functional and genetic evidence.

German Consortium for Hereditary Breast and Ovarian Cancer, University Hospital Cologne
Classification: Benign for Hereditary breast ovarian cancer syndrome. Last evaluated: 2025-11-17. Review status: criteria provided, single submitter. Criteria: ClinGen BRCA2 V1.1.0. Collection method: curation. Allele origin: germline.
Comment: This classification follows the ClinGen ENIGMA BRCA2 v1.1.0 classification scheme; We chose these criteria: BP4 (supporting benign): Missense variant inside a (potentially) clinically important functional domain, and no predicted impact via protein change or splicing (BayesDel no-AF score ≤ 0.18 AND SpliceAI ≤0.1), BP5 (medium benign): combined LR (UCSC): 0.18469, BS3 (strong benign): Huang et al. (2025, PMID: 39779857): BS3_MOD + Sahu et al. (2025, PMID: 39779848): BS3_STR

Labcorp Genetics (formerly Invitae), Labcorp
Classification: Likely benign for Hereditary breast ovarian cancer syndrome. Last evaluated: 2025-10-19. Review status: criteria provided, single submitter. Criteria: Invitae Variant Classification Sherloc (09022015). Collection method: clinical testing. Allele origin: germline.

Ambry Genetics
Classification: Uncertain significance for Hereditary cancer-predisposing syndrome. Last evaluated: 2025-10-15. Review status: criteria provided, single submitter. Criteria: Ambry Variant Classification Scheme 2023. Collection method: clinical testing. Allele origin: germline.
Comment: The p.V2818I variant (also known as c.8452G>A), located in coding exon 18 of the BRCA2 gene, results from a G to A substitution at nucleotide position 8452. The valine at codon 2818 is replaced by isoleucine, an amino acid with highly similar properties. This alteration has been identified in multiple hereditary breast and/or ovarian cancer families (Capalbo C et al. Ann. Oncol., 2006 Jun;17 Suppl 7:vii34-40; Giannini G et al. Breast Cancer Res Treat. 2006 Nov; 100(1):83-91). This alteration was also seen in 1/732 breast cancer patients, 0/189 colorectal cancer patients and 0/490 cancer-free elderly controls in a Turkish population (Akcay IM et al. Int J Cancer, 2021 Jan;148:285-295). Two saturation genome editing-based studies, including a haploid cell-survival assay and a humanized mouse embryonic stem cell line assay of drug response and survival, demonstrate that this nucleotide substitution may be functional; however, additional evidence is needed to confirm these findings (Huang H et al. Nature. 2025 Feb;638(8050):528-537; Sahu S et al. Nature. 2025 Feb;638(8050):538-545). This amino acid position is not well conserved in available vertebrate species. In addition, this alteration is predicted to be tolerated by in silico analysis. Based on the available evidence, the clinical significance of this variant remains unclear.

Quest Diagnostics Nichols Institute San Juan Capistrano
Classification: Uncertain significance. Last evaluated: 2025-05-23. Review status: criteria provided, single submitter. Criteria: Quest Diagnostics criteria. Collection method: clinical testing. Allele origin: unknown.
Comment: The BRCA2 c.8452G>A (p.Val2818Ile) variant has been reported in the published literature in individuals with breast cancer (PMID: 16760289 (2006), 34658299 (2021), 32658311 (2021), 37060015 (2023), 37415649 (2023), 33471991 (2021), see also LOVD). The frequency of this variant in the general population (Genome Aggregation Database) is uninformative in the assessment of its pathogenicity. Analysis of this variant using bioinformatics tools for the prediction of the effect of amino acid changes on protein structure and function yielded predictions that this variant is benign. Based on the available information, we are unable to determine the clinical significance of this variant.

Center for Genomic Medicine, Rigshospitalet, Copenhagen University Hospital
Classification: Likely benign. Last evaluated: 2025-03-04. Review status: criteria provided, single submitter. Criteria: ACMG Guidelines, 2015. Collection method: clinical testing. Allele origin: germline.

Department of Pathology and Laboratory Medicine, Sinai Health System
Classification: Uncertain significance for BRCA2-related cancer predisposition. Last evaluated: 2024-07-25. Review status: criteria provided, single submitter. Criteria: ACMG Guidelines, 2015. Collection method: clinical testing. Allele origin: germline.

MGZ Medical Genetics Center
Classification: Uncertain significance for Familial cancer of breast. Last evaluated: 2024-02-09. Review status: criteria provided, single submitter. Criteria: CSpec BRCA1/2ACMG Rules Specifications V1.1.0. Collection method: clinical testing. Allele origin: germline. Affected: yes.
Comment: ACMG codes applied following ENIGMA VCEP rules: BP4, PM2_SUP

Women's Health and Genetics/Laboratory Corporation of America, LabCorp
Classification: Uncertain significance. Last evaluated: 2024-01-02. Review status: criteria provided, single submitter. Criteria: LabCorp Variant Classification Summary - May 2015. Collection method: clinical testing. Allele origin: germline.
Comment: Variant summary: BRCA2 c.8452G>A (p.Val2818Ile) results in a conservative amino acid change located in the BRCA2, OB2 domain (IPR048262) of the encoded protein sequence. Four of five in-silico tools predict a benign effect of the variant on protein function. The variant allele was found at a frequency of 4e-06 in 251400 control chromosomes. The available data on variant occurrences in the general population are insufficient to allow any conclusion about variant significance. c.8452G>A has been reported in the literature as a VUS in settings of multigene panel or BRCA1/2 testing among individuals affected with a variety of cancers to include breast/ovarian/colorectal (example, Akcay_2021, Santonocito_2020, Bisgin_2022) and in earlier reports of individuals undergoing testing for breat/ovarian cancer (example, Capalbo_2006, Giannini_2006). These report(s) do not provide unequivocal conclusions about association of the variant with Hereditary Breast And Ovarian Cancer Syndrome. To our knowledge, no experimental evidence demonstrating an impact on protein function has been reported. The following publications have been ascertained in the context of this evaluation (PMID: 32658311, 35753294, 16760289, 16847550, 34658299, 32438681). Seven submitters have cited clinical-significance assessments for this variant to ClinVar after 2014 (VUS, n=6; likely benign, n=1). Based on the evidence outlined above, the variant was classified as uncertain significance.

GeneDx
Classification: Uncertain significance. Last evaluated: 2023-12-25. Review status: criteria provided, single submitter. Criteria: GeneDx Variant Classification Process June 2021. Collection method: clinical testing. Allele origin: germline. Affected: yes.
Comment: In silico analysis supports that this missense variant does not alter protein structure/function; Not observed at significant frequency in large population cohorts (gnomAD); Also known as 8680G>A; This variant is associated with the following publications: (PMID: 16847550, 19043619, 16760289, 12228710, 32438681, 32658311, 31853058, 29884841, Bahsi2019[article], 32377563)